The following is an entry in ClinVar:

ClinVar aggregate classification (germline): Uncertain significance (1 of 4 stars; one submission).

Allele frequency attached by ClinVar (database versions not stated): gnomAD exomes 0.00002.
gnomAD v4.1: 27 of 1,614,184 alleles (0.0017%); highest among the groups gnomAD compares: Non-Finnish European, 0.0019%; no homozygotes.

Submission:

CeGaT Center for Human Genetics Tuebingen
Classification: Uncertain significance. Last evaluated: 2023-05-01. Review status: criteria provided, single submitter. Criteria: CeGaT Center For Human Genetics Tuebingen Variant Classification Criteria Version 2. Collection method: clinical testing. Allele origin: germline. Affected: yes. Observed: 1 variant allele.
Comment: CAMTA1: PM2:Supporting, PP2

NM_015215.4(CAMTA1):c.3406G>T (p.Ala1136Ser)

Gene: CAMTA1 (calmodulin binding transcription activator 1; plus strand). Cytogenetic location: 1p36.23.
Variant type: single nucleotide variant.
Coding change: c.3406G>T on transcript NM_015215.4 (MANE Select); coding-DNA position 3406, G replaced by T.
Protein change: p.Ala1136Ser; replaces alanine 1136 with serine.
Molecular consequence: missense variant.
Genome position (GRCh38, 1-based): chr1:7,737,318, G>T. VCF-style: chr1-7737318-G-T. GRCh37 (hg19) VCF-style: chr1-7797378-G-T.
Other names: c.478G>T, p.Ala160Ser (NM_001349622.2, NM_001349623.1, NM_001349624.3 and 10 more transcripts); c.3406G>T, p.Ala1136Ser (NM_001410737.1, NM_001349609.2, NM_001349610.2); c.3334G>T, p.Ala1112Ser (NM_001410738.1); c.535G>T, p.Ala179Ser (NM_001349613.1); c.3316G>T, p.Ala1106Ser (NM_001349608.2, NM_001349612.2); short protein forms A1106S, A1112S, A1136S, A160S, A179S.
Identifiers: ClinVar variation 2570711 (VCV002570711.27), dbSNP rs1174414851, ClinGen allele CA338125994.
Genomic context (GRCh38, chr1:7,737,318, plus strand): 5'-TGGGCGTGTGCCCTAGGGCACTTGGAAGCTGCCGTCGTGCTGTACAAGTGGGACCGTCGG[G>T]CCATCTCGATTCCCGACTCTCTAGGAAGGCTGCCTTTGGGAATTGCCAGGTCACGGGGTC-3'
Protein context (NP_056030.1, residues 1126-1146): AVVLYKWDRR[Ala1136Ser]ISIPDSLGRL